The following is an entry in ClinVar:

NC_000004.11:g.(?_120072007)_(120079326_?)del

Gene: MYOZ2 (myozenin 2; plus strand). Cytogenetic location: 4q26.
Variant type: Deletion.
Identifiers: ClinVar variation 1412046 (VCV001412046.4).

ClinVar aggregate classification (germline): Uncertain significance (1 of 4 stars; one submission).

Conditions:
Hypertrophic cardiomyopathy. Also called: HYPERTROPHIC MYOCARDIOPATHY. Identifiers: Orphanet 217569, MedGen C0007194, MeSH D002312, MONDO:0005045, HP:0001639.

Submission:

Labcorp Genetics (formerly Invitae), Labcorp
Classification: Uncertain significance for Hypertrophic cardiomyopathy. Last evaluated: 2021-10-06. Review status: criteria provided, single submitter. Criteria: Invitae Variant Classification Sherloc (09022015). Collection method: clinical testing. Allele origin: germline.
Comment: In summary, the available evidence is currently insufficient to determine the role of this variant in disease. Therefore, it has been classified as a Variant of Uncertain Significance. Experimental studies and prediction algorithms are not available or were not evaluated, and the functional significance of this variant is currently unknown. This variant has not been reported in the literature in individuals affected with MYOZ2-related conditions. This variant is a gross deletion of the genomic region encompassing exon(s) 3-4 of the MYOZ2 gene. This variant would be expected to be in-frame, preserving the integrity of the reading frame.